The following is an entry in ClinVar:

ClinVar aggregate classification (germline): Conflicting classifications of pathogenicity. Review status: criteria provided, conflicting classifications (1 of 4 stars). 2 submissions from 2 submitters: Uncertain significance (1); Likely benign (1). Last evaluated 2024-03-01.

Allele frequency attached by ClinVar (database versions not stated): ExAC 0.00002; ESP Exome Variant Server 0.00008; gnomAD 0.00011; TOPMed 0.00015.
gnomAD v4.1: 297 of 1,613,596 alleles (0.018%); highest among the groups gnomAD compares: Non-Finnish European, 0.023%; no homozygotes.

Submissions (2):

CeGaT Center for Human Genetics Tuebingen
Classification: Likely benign. Last evaluated: 2024-03-01. Review status: criteria provided, single submitter. Criteria: CeGaT Center For Human Genetics Tuebingen Variant Classification Criteria Version 2. Collection method: clinical testing. Allele origin: germline. Affected: yes. Observed: 1 variant allele.
Comment: RIPOR2: BP4

Ambry Genetics
Classification: Uncertain significance. Last evaluated: 2023-11-15. Review status: criteria provided, single submitter. Criteria: Ambry Variant Classification Scheme 2023. Collection method: clinical testing. Allele origin: germline.

NM_001286445.3(RIPOR2):c.280C>T (p.Pro94Ser)

Gene: RIPOR2 (RHO family interacting cell polarization regulator 2; minus strand). Cytogenetic location: 6p22.3.
Variant type: single nucleotide variant.
Coding change: c.280C>T on transcript NM_001286445.3 (MANE Select); coding-DNA position 280, C replaced by T.
Protein change: p.Pro94Ser; replaces proline 94 with serine.
Molecular consequence: missense variant.
Genome position (GRCh38, 1-based): chr6:24,873,708, G>A on the plus strand (C>T on the coding strand, the complement: RIPOR2 is on the minus strand). VCF-style: chr6-24873708-G-A. GRCh37 (hg19) VCF-style: chr6-24873936-G-A.
Other names: c.193C>T, p.Pro65Ser (NM_001286447.2, NM_001346031.2, NM_001346032.2 and 2 more transcripts); c.295C>T, p.Pro99Ser (NM_001286446.3); short protein forms P65S, P94S, P99S.
Identifiers: ClinVar variation 3067393 (VCV003067393.22), dbSNP rs368504986, ClinGen allele CA3659601.